The following is an entry in ClinVar:

ClinVar aggregate classification (germline): Uncertain significance (1 of 4 stars; one submission).

Conditions:
Severe combined immunodeficiency due to DNA-PKcs deficiency. Also called: IMMUNODEFICIENCY 26 WITH NEUROLOGIC ABNORMALITIES; Immunodeficiency 26 with or without neurologic abnormalities. Identifiers: Orphanet 317425, MedGen C4014833, MONDO:0014423, OMIM 615966.

Allele frequency attached by ClinVar (database versions not stated): gnomAD 0.00001; TOPMed 0.00002; ExAC 0.00003; gnomAD exomes 0.00003 and 0.00006.
gnomAD v4.1: 82 of 1,613,878 alleles (0.0051%); highest among the groups gnomAD compares: Non-Finnish European, 0.0068%; no homozygotes.

Submission:

Labcorp Genetics (formerly Invitae), Labcorp
Classification: Uncertain significance for Severe combined immunodeficiency due to DNA-PKcs deficiency. Last evaluated: 2024-03-04. Review status: criteria provided, single submitter. Criteria: Invitae Variant Classification Sherloc (09022015). Collection method: clinical testing. Allele origin: germline.
Comment: This sequence change replaces tyrosine, which is neutral and polar, with histidine, which is basic and polar, at codon 1940 of the PRKDC protein (p.Tyr1940His). This variant is present in population databases (rs780953775, gnomAD 0.008%). This missense change has been observed in individual(s) with common variable immunodeficiency (PMID: 26122175). ClinVar contains an entry for this variant (Variation ID: 582132). Advanced modeling of protein sequence and biophysical properties (such as structural, functional, and spatial information, amino acid conservation, physicochemical variation, residue mobility, and thermodynamic stability) has been performed at Invitae for this missense variant, however the output from this modeling did not meet the statistical confidence thresholds required to predict the impact of this variant on PRKDC protein function. In summary, the available evidence is currently insufficient to determine the role of this variant in disease. Therefore, it has been classified as a Variant of Uncertain Significance.

Literature cited by the submitters: PubMed 26122175.

NM_006904.7(PRKDC):c.5818T>C (p.Tyr1940His)

Gene: PRKDC (protein kinase, DNA-activated, catalytic subunit; minus strand). Cytogenetic location: 8q11.21.
Variant type: single nucleotide variant.
Coding change: c.5818T>C on transcript NM_006904.7 (MANE Select); coding-DNA position 5818, T replaced by C.
Protein change: p.Tyr1940His; replaces tyrosine 1940 with histidine.
Molecular consequence: missense variant.
Genome position (GRCh38, 1-based): chr8:47,862,474, A>G on the plus strand (T>C on the coding strand, the complement: PRKDC is on the minus strand). VCF-style: chr8-47862474-A-G. GRCh37 (hg19) VCF-style: chr8-48775035-A-G.
Other names: c.5818T>C, p.Tyr1940His (NM_001081640.2); short protein forms Y1940H.
Identifiers: ClinVar variation 582132 (VCV000582132.4), dbSNP rs780953775, ClinGen allele CA4740561.
Genomic context (GRCh38, chr8:47,862,474, plus strand): 5'-TTAACTCATTGAAGACACAGCAGATGACAGATATGGCGCAGTTGTATGCTGCACAATGGT[A>G]AAGTCTTCTCCTCTCCAGCAGCTGATTCTCTCCTGCCATGTTCTCTGTAAATGCATCGTA-3'
Protein context (NP_008835.5, residues 1930-1950): ENQLLERRRL[Tyr1940His]HCAAYNCAIS